The following is an entry in ClinVar:

ClinVar aggregate classification (germline): Uncertain significance. Review status: criteria provided, multiple submitters, no conflicts (2 of 4 stars). 2 submissions from 2 submitters: Uncertain significance (2). Last evaluated 2026-07-07.

Conditions:
Cardiovascular phenotype. Identifiers: MedGen CN230736.
Hereditary hemorrhagic telangiectasia (HHT). Also called: ORW DISEASE; Osler Weber Rendu syndrome; OSLER-RENDU-WEBER DISEASE; Osler hemorrhagic telangiectasia syndrome. Identifiers: Orphanet 774, MedGen C0039445, MONDO:0019180. Disease mechanism: loss of function.

Allele frequency attached by ClinVar (database versions not stated): gnomAD exomes below 0.00001; TOPMed below 0.00001; ESP Exome Variant Server 0.00008.
gnomAD v4.1: 2 of 1,596,996 alleles (0.00013%); highest among the groups gnomAD compares: Non-Finnish European, 0.00017%; no homozygotes.

Submissions (2):

Ambry Genetics
Classification: Uncertain significance for Cardiovascular phenotype. Last evaluated: 2026-07-07. Review status: criteria provided, single submitter. Criteria: Ambry Variant Classification Scheme 2023. Collection method: clinical testing. Allele origin: germline.
Comment: The p.P318T variant (also known as c.952C>A), located in coding exon 7 of the ENG gene, results from a C to A substitution at nucleotide position 952. The proline at codon 318 is replaced by threonine, an amino acid with highly similar properties. This amino acid position is conserved. In addition, this alteration is predicted to be deleterious by in silico analysis. Based on the available evidence, the clinical significance of this variant remains unclear.

Labcorp Genetics (formerly Invitae), Labcorp
Classification: Uncertain significance for Hereditary hemorrhagic telangiectasia. Last evaluated: 2023-05-27. Review status: criteria provided, single submitter. Criteria: Invitae Variant Classification Sherloc (09022015). Collection method: clinical testing. Allele origin: germline.
Comment: This sequence change replaces proline, which is neutral and non-polar, with threonine, which is neutral and polar, at codon 318 of the ENG protein (p.Pro318Thr). This variant is not present in population databases (gnomAD no frequency). In summary, the available evidence is currently insufficient to determine the role of this variant in disease. Therefore, it has been classified as a Variant of Uncertain Significance. Advanced modeling of protein sequence and biophysical properties (such as structural, functional, and spatial information, amino acid conservation, physicochemical variation, residue mobility, and thermodynamic stability) performed at Invitae indicates that this missense variant is expected to disrupt ENG protein function. This variant has not been reported in the literature in individuals affected with ENG-related conditions.

NM_001114753.3(ENG):c.952C>A (p.Pro318Thr)

Gene: ENG (endoglin; minus strand). Cytogenetic location: 9q34.11.
Variant type: single nucleotide variant.
Coding change: c.952C>A on transcript NM_001114753.3 (MANE Select); coding-DNA position 952, C replaced by A.
Protein change: p.Pro318Thr; replaces proline 318 with threonine.
Molecular consequence: missense variant.
Genome position (GRCh38, 1-based): chr9:127,824,839, G>T on the plus strand (C>A on the coding strand, the complement: ENG is on the minus strand). VCF-style: chr9-127824839-G-T. GRCh37 (hg19) VCF-style: chr9-130587118-G-T.
Other names: c.952C>A (NM_001114753.1); c.952C>A, p.Pro318Thr (NM_000118.4, NM_001406715.1); c.406C>A, p.Pro136Thr (NM_001278138.2); short protein forms P136T, P318T.
Identifiers: ClinVar variation 2741300 (VCV002741300.4), dbSNP rs146089714, ClinGen allele CA200313036.
Genomic context (GRCh38, chr9:127,824,839, plus strand): 5'-GGGCAGGGGAAGGGTGCTCACCGCAGCTGGAGGCATGAAGTGAGACAATGCTGGCCAGCG[G>T]TAGCTCCACGAAGGATGCCACAATGCTGGCATTGAGCATCCGGGCCTCCCCCAGGAGGCC-3'
Protein context (NP_001108225.1, residues 308-328): ASIVASFVEL[Pro318Thr]LASIVSLHAS